The following is an entry in ClinVar:

NM_000719.7(CACNA1C):c.1332C>T (p.Ala444=)

Gene: CACNA1C (calcium voltage-gated channel subunit alpha1 C; plus strand). Cytogenetic location: 12p13.33.
Variant type: single nucleotide variant.
Coding change: c.1332C>T on transcript NM_000719.7 (MANE Select); coding-DNA position 1332, C replaced by T.
Protein change: p.Ala444=; no amino-acid change (alanine 444 retained).
Molecular consequence: synonymous variant.
Genome position (GRCh38, 1-based): chr12:2,512,926, C>T. VCF-style: chr12-2512926-C-T. GRCh37 (hg19) VCF-style: chr12-2622092-C-T.
Other names: c.1332C>T, p.Ala444= (NM_001129827.2, NM_001129829.2, NM_001129830.3 and 18 more transcripts); c.1323C>T, p.Ala441= (NM_001129844.2); c.1332C>T (NM_199460.3).
Identifiers: ClinVar variation 380614 (VCV000380614.17), dbSNP rs202027411, ClinGen allele CA6388684.

ClinVar aggregate classification (germline): Likely benign. Review status: criteria provided, multiple submitters, no conflicts (2 of 4 stars). 4 submissions from 4 submitters: Likely benign (4). Last evaluated 2026-01-12.

Conditions:
Cardiovascular phenotype. Identifiers: MedGen CN230736.
Long QT syndrome (LQTS). Identifiers: MedGen C0023976, MeSH D008133, MONDO:0002442. Disease mechanism: loss of function. Inheritance: Various modes of inheritance.

Allele frequency attached by ClinVar (database versions not stated): TOPMed 0.00007; gnomAD 0.00009; ESP Exome Variant Server 0.00023.
gnomAD v4.1: 65 of 1,611,598 alleles (0.004%); highest among the groups gnomAD compares: Middle Eastern, 0.016%; no homozygotes.

Submissions (4):

Labcorp Genetics (formerly Invitae), Labcorp
Classification: Likely benign for Long QT syndrome. Last evaluated: 2026-01-12. Review status: criteria provided, single submitter. Criteria: Invitae Variant Classification Sherloc (09022015). Collection method: clinical testing. Allele origin: germline.

Molecular Diagnostic Laboratory for Inherited Cardiovascular Disease, Montreal Heart Institute
Classification: Likely benign. Last evaluated: 2025-07-24. Review status: criteria provided, single submitter. Criteria: ACMG Guidelines, 2015. Collection method: clinical testing. Allele origin: germline. Affected: no.
Comment: BP7

Ambry Genetics
Classification: Likely benign for Cardiovascular phenotype. Last evaluated: 2016-11-01. Review status: criteria provided, single submitter. Criteria: Ambry Variant Classification Scheme 2023. Collection method: clinical testing. Allele origin: germline.

GeneDx
Classification: Likely benign. Last evaluated: 2016-07-13. Review status: criteria provided, single submitter. Criteria: GeneDx Variant Classification (06012015). Collection method: clinical testing. Allele origin: germline. Affected: yes.
Comment: This variant is considered likely benign or benign based on one or more of the following criteria: it is a conservative change, it occurs at a poorly conserved position in the protein, it is predicted to be benign by multiple in silico algorithms, and/or has population frequency not consistent with disease.